The following is an entry in ClinVar:

NM_001385012.1(NBEA):c.4484del (p.Asn1495fs)

Gene: NBEA (neurobeachin; plus strand). Cytogenetic location: 13q13.3.
Variant type: Deletion.
Coding change: c.4484del on transcript NM_001385012.1 (MANE Select); coding-DNA position 4484, one base deleted (A; older notation c.4484delA).
Protein change: p.Asn1495fs; shifts the reading frame from asparagine 1495.
Molecular consequence: frameshift variant.
Genome position (GRCh38, 1-based): chr13:35,173,524, A deleted; the last of 3 consecutive A bases (chr13:35,173,522-35,173,524); deleting any one gives the same sequence. VCF-style (leftmost placement, unchanged base first): chr13-35173521-GA-G. GRCh37 (hg19) VCF-style: chr13-35747658-GA-G.
Other names: c.4475del, p.Asn1492fs (NM_001379245.1); c.4484del, p.Asn1495fs (NM_015678.5); short protein forms N1492fs, N1495fs.
Identifiers: ClinVar variation 3338094 (VCV003338094.1).

ClinVar aggregate classification (germline): Likely pathogenic (0 of 4 stars; one submission).

Conditions:
Neurodevelopmental disorder with or without early-onset generalized epilepsy. Identifiers: MedGen C5436914, MONDO:0030930, OMIM 619157.

Submission:

Solve-RD Consortium
Classification: Likely pathogenic for Neurodevelopmental disorder with or without early-onset generalized epilepsy. Last evaluated: 2022-06-01. Review status: no assertion criteria provided. Collection method: provider interpretation. Allele origin: de novo. Affected: yes.
Comment: Variant confirmed as disease-causing by referring clinical team

Variant identified during reanalysis of unsolved cases by the Solve-RD project. The Solve-RD project has received funding from the European Union’s Horizon 2020 research and innovation programme under grant agreement No 779257.

Literature cited by the submitters: PubMed 39825153.